The following is an entry in ClinVar:

NM_000059.4(BRCA2):c.8574A>T (p.Gln2858His)

Gene: BRCA2 (BRCA2 DNA repair associated; plus strand). Cytogenetic location: 13q13.1.
Variant type: single nucleotide variant.
Coding change: c.8574A>T on transcript NM_000059.4 (MANE Select); coding-DNA position 8574, A replaced by T.
Protein change: p.Gln2858His; replaces glutamine 2858 with histidine.
Molecular consequence: missense variant. On other transcripts: non-coding transcript variant (1).
Genome position (GRCh38, 1-based): chr13:32,371,042, A>T. VCF-style: chr13-32371042-A-T. GRCh37 (hg19) VCF-style: chr13-32945179-A-T.
Other names: c.8478A>T, p.Gln2826His (NM_001406719.1); c.8574A>T, p.Gln2858His (NM_001406720.1, NM_001432077.1); c.3642A>T, p.Gln1214His (NM_001406721.1); c.2157A>T, p.Gln719His (NM_001406722.1); short protein forms Q2858H, Q1214H, Q719H, Q2826H.
Identifiers: ClinVar variation 3704440 (VCV003704440.3).

ClinVar aggregate classification (germline): Conflicting classifications of pathogenicity. Review status: criteria provided, conflicting classifications (1 of 4 stars). 2 submissions from 2 submitters: Uncertain significance (1); Likely benign (1). Last evaluated 2025-05-01.

Conditions:
Hereditary cancer-predisposing syndrome. Also called: Hereditary neoplastic syndrome; Tumor predisposition; Hereditary Cancer Syndrome; Neoplastic Syndromes, Hereditary. Identifiers: Orphanet 140162, MedGen C0027672, MeSH D009386, MONDO:0015356.
Hereditary breast ovarian cancer syndrome. Also called: Hereditary breast and ovarian cancer syndrome; Hereditary breast and/or ovarian cancer syndrome; BRCA1- and BRCA2-Associated Hereditary Breast and Ovarian Cancer; Hereditary breast and ovarian cancer; Breast and ovarian cancer; Hereditary breast and ovarian cancer syndrome (HBOC). Identifiers: Orphanet 145, MedGen C0677776, MeSH D061325, MONDO:0003582. Disease mechanism: loss of function.

Submissions (2):

Ambry Genetics
Classification: Likely benign for Hereditary cancer-predisposing syndrome. Last evaluated: 2025-05-01. Review status: criteria provided, single submitter. Criteria: Ambry Variant Classification Scheme 2023. Collection method: clinical testing. Allele origin: germline.

Labcorp Genetics (formerly Invitae), Labcorp
Classification: Uncertain significance for Hereditary breast ovarian cancer syndrome. Last evaluated: 2024-10-04. Review status: criteria provided, single submitter. Criteria: Invitae Variant Classification Sherloc (09022015). Collection method: clinical testing. Allele origin: germline.
Comment: This sequence change replaces glutamine, which is neutral and polar, with histidine, which is basic and polar, at codon 2858 of the BRCA2 protein (p.Gln2858His). This variant is not present in population databases (gnomAD no frequency). This missense change has been observed in individual(s) with breast or ovarian cancer (PMID: 25948282, 29681614). Invitae Evidence Modeling of protein sequence and biophysical properties (such as structural, functional, and spatial information, amino acid conservation, physicochemical variation, residue mobility, and thermodynamic stability) indicates that this missense variant is not expected to disrupt BRCA2 protein function with a negative predictive value of 95%. In summary, the available evidence is currently insufficient to determine the role of this variant in disease. Therefore, it has been classified as a Variant of Uncertain Significance.

Literature cited by the submitters: PubMed 25948282 (cited by Labcorp Genetics (formerly Invitae), Labcorp); PubMed 29681614 (cited by Labcorp Genetics (formerly Invitae), Labcorp).